The following is an entry in ClinVar:

NM_021784.5(FOXA2):c.152G>A (p.Ser51Asn)

Gene: FOXA2 (forkhead box A2; minus strand). Cytogenetic location: 20p11.21.
Variant type: single nucleotide variant.
Coding change: c.152G>A on transcript NM_021784.5 (MANE Select); coding-DNA position 152, G replaced by A.
Protein change: p.Ser51Asn; replaces serine 51 with asparagine.
Molecular consequence: missense variant.
Genome position (GRCh38, 1-based): chr20:22,583,090, C>T on the plus strand (G>A on the coding strand, the complement: FOXA2 is on the minus strand). VCF-style: chr20-22583090-C-T. GRCh37 (hg19) VCF-style: chr20-22563728-C-T.
Other names: c.134G>A, p.Ser45Asn (NM_153675.3); short protein forms S45N, S51N.
Identifiers: ClinVar variation 3625403 (VCV003625403.2).

ClinVar aggregate classification (germline): Uncertain significance (1 of 4 stars; one submission).

gnomAD v4.1: 17 of 1,609,168 alleles (0.0011%); highest among the groups gnomAD compares: Non-Finnish European, 0.0011%; no homozygotes.

Submission:

Labcorp Genetics (formerly Invitae), Labcorp
Classification: Uncertain significance. Last evaluated: 2024-03-08. Review status: criteria provided, single submitter. Criteria: Invitae Variant Classification Sherloc (09022015). Collection method: clinical testing. Allele origin: germline.
Comment: This sequence change replaces serine, which is neutral and polar, with asparagine, which is neutral and polar, at codon 51 of the FOXA2 protein (p.Ser51Asn). This variant is present in population databases (rs751798478, gnomAD 0.004%). This variant has not been reported in the literature in individuals affected with FOXA2-related conditions. An algorithm developed to predict the effect of missense changes on protein structure and function (PolyPhen-2) suggests that this variant is likely to be tolerated. In summary, the available evidence is currently insufficient to determine the role of this variant in disease. Therefore, it has been classified as a Variant of Uncertain Significance.